The following is an entry in ClinVar:

ClinVar aggregate classification (germline): Benign/Likely benign. Review status: criteria provided, single submitter (1 of 4 stars). 2 submissions from 1 submitter: Benign (1); Likely benign (1). Last evaluated 2018-01-12.

Conditions:
Weill-Marchesani syndrome. Also called: WM Syndrome; Mesodermal dysmorphodystrophy congenital. Identifiers: Orphanet 3449, MedGen C0265313, MONDO:0018096.
Glaucoma 3, primary congenital, D. Identifiers: Orphanet 98976, MedGen C2751316, MONDO:0013122, OMIM 613086.

Allele frequency attached by ClinVar (database versions not stated): gnomAD exomes 0.00250; 1000 Genomes Project 0.01318; gnomAD 0.01415 and 0.01534; 1000 Genomes Project 30x 0.01499; TOPMed 0.01574.
gnomAD v4.1: 2,350 of 229,274 alleles (1%); highest among the groups gnomAD compares: African/African-American, 4.9%; 43 homozygotes.

Submissions (2):

Illumina Laboratory Services, Illumina
Classification: Likely benign for Glaucoma 3, primary congenital, D. Last evaluated: 2018-01-12. Review status: criteria provided, single submitter. Criteria: ICSL Variant Classification Criteria 13 December 2019. Collection method: clinical testing. Allele origin: germline.
Comment: This variant was observed in the ICSL laboratory as part of a predisposition screen in an ostensibly healthy population. It had not been previously curated by ICSL or reported in the Human Gene Mutation Database (HGMD: prior to June 1st, 2018), and was therefore a candidate for classification through an automated scoring system. Utilizing variant allele frequency, disease prevalence and penetrance estimates, and inheritance mode, an automated score was calculated to assess if this variant is too frequent to cause the disease. Based on the score and internal cut-off values, a variant classified as likely benign is not then subjected to further curation. The score for this variant resulted in a classification of likely benign for this disease.

Illumina Laboratory Services, Illumina
Classification: Benign for Weill-Marchesani syndrome. Last evaluated: 2018-01-12. Review status: criteria provided, single submitter. Criteria: ICSL Variant Classification Criteria 13 December 2019. Collection method: clinical testing. Allele origin: germline.
Comment: This variant was observed in the ICSL laboratory as part of a predisposition screen in an ostensibly healthy population. It had not been previously curated by ICSL or reported in the Human Gene Mutation Database (HGMD: prior to June 1st, 2018), and was therefore a candidate for classification through an automated scoring system. Utilizing variant allele frequency, disease prevalence and penetrance estimates, and inheritance mode, an automated score was calculated to assess if this variant is too frequent to cause the disease. Based on the score and internal cut-off values, a variant classified as benign is not then subjected to further curation. The score for this variant resulted in a classification of benign for this disease.

NM_000428.3(LTBP2):c.*2044G>A

Gene: LTBP2 (latent transforming growth factor beta binding protein 2; minus strand). Cytogenetic location: 14q24.3.
Variant type: single nucleotide variant.
Coding change: c.*2044G>A on transcript NM_000428.3 (MANE Select); 2044 bases downstream of the stop codon, G replaced by A.
Molecular consequence: 3 prime UTR variant.
Genome position (GRCh38, 1-based): chr14:74,498,840, C>T on the plus strand (G>A on the coding strand, the complement: LTBP2 is on the minus strand). VCF-style: chr14-74498840-C-T. GRCh37 (hg19) VCF-style: chr14-74965543-C-T.
Identifiers: ClinVar variation 887502 (VCV000887502.4), dbSNP rs73296214, ClinGen allele CA15810981.